The following is an entry in ClinVar:

NM_001290321.3(DMXL1):c.7387_7389del (p.Asn2463del)

Gene: DMXL1 (Dmx like 1; plus strand). Cytogenetic location: 5q23.1.
Variant type: Deletion.
Coding change: c.7387_7389del on transcript NM_001290321.3 (MANE Select); coding-DNA positions 7387 to 7389, 3 bases deleted (AAT; older notation c.7387_7389delAAT).
Protein change: p.Asn2463del; deletes asparagine 2463.
Molecular consequence: inframe deletion. On other transcripts: non-coding transcript variant (3).
Genome position (GRCh38, 1-based): chr5:119,193,900-119,193,902, AAT deleted. VCF-style (leftmost placement, unchanged base first): chr5-119193899-CAAT-C. GRCh37 (hg19) VCF-style: chr5-118529594-CAAT-C.
Other names: c.7387_7389del, p.Asn2463del (NM_001349239.2, NM_001349240.2, NM_001387933.1 and 1 more transcripts); c.7195_7197del, p.Asn2399del (NM_001387934.1); c.6682_6684del, p.Asn2228del (NM_001387937.1); c.6400_6402del, p.Asn2134del (NM_001387938.1); c.7387_7389delAAT (NM_001290321.2); short protein forms N2463del, N2134del, N2228del, N2399del.
Identifiers: ClinVar variation 787292 (VCV000787292.5), dbSNP rs374810198, ClinGen allele CA3380841.

ClinVar aggregate classification (germline): Benign. Review status: criteria provided, single submitter (1 of 4 stars). 2 submissions from 2 submitters: Benign (1). 1 of the submissions does not count toward it. Last evaluated 2018-10-10.

Conditions:
DMXL1-related disorder. Also called: DMXL1-related condition.

Allele frequency attached by ClinVar (database versions not stated): gnomAD exomes 0.00074 and 0.00174; ExAC 0.00209; 1000 Genomes Project 0.00639; gnomAD 0.00722 and 0.00778; 1000 Genomes Project 30x 0.00734; ESP Exome Variant Server 0.00751; TOPMed 0.00814.

Submissions (2):

Labcorp Genetics (formerly Invitae), Labcorp
Classification: Benign. Last evaluated: 2018-10-10. Review status: criteria provided, single submitter. Criteria: Invitae Variant Classification Sherloc (09022015). Collection method: clinical testing. Allele origin: germline.

PreventionGenetics, part of Exact Sciences
Classification: Benign for DMXL1-related condition. Last evaluated: 2019-04-04. Review status: no assertion criteria provided. Collection method: clinical testing. Allele origin: germline. Not counted in ClinVar's aggregate classification.
Comment: This variant is classified as benign based on ACMG/AMP sequence variant interpretation guidelines (Richards et al. 2015 PMID: 25741868, with internal and published modifications).